The following is an entry in ClinVar:

NM_001184.4(ATR):c.2799C>G (p.Ile933Met)

Gene: ATR (ATR checkpoint kinase; minus strand). Cytogenetic location: 3q23.
Variant type: single nucleotide variant.
Coding change: c.2799C>G on transcript NM_001184.4 (MANE Select); coding-DNA position 2799, C replaced by G.
Protein change: p.Ile933Met; replaces isoleucine 933 with methionine.
Molecular consequence: missense variant.
Genome position (GRCh38, 1-based): chr3:142,553,233, G>C on the plus strand (C>G on the coding strand, the complement: ATR is on the minus strand). VCF-style: chr3-142553233-G-C. GRCh37 (hg19) VCF-style: chr3-142272075-G-C.
Other names: c.2607C>G, p.Ile869Met (NM_001354579.2); short protein forms I869M, I933M.
Identifiers: ClinVar variation 2447386 (VCV002447386.2), dbSNP rs2473379369, ClinGen allele CA354814128.

ClinVar aggregate classification (germline): Uncertain significance (1 of 4 stars; one submission).

Conditions:
Inborn genetic diseases. Identifiers: MedGen C0950123, MeSH D030342.

Submission:

Ambry Genetics
Classification: Uncertain significance for Inborn genetic diseases. Last evaluated: 2023-03-09. Review status: criteria provided, single submitter. Criteria: Ambry Variant Classification Scheme 2023. Collection method: clinical testing. Allele origin: germline.
Comment: The p.I933M variant (also known as c.2799C>G), located in coding exon 13 of the ATR gene, results from a C to G substitution at nucleotide position 2799. The isoleucine at codon 933 is replaced by methionine, an amino acid with highly similar properties. This amino acid position is conserved. In addition, the in silico prediction for this alteration is inconclusive. Since supporting evidence is limited at this time, the clinical significance of this alteration remains unclear.